The following is an entry in ClinVar:

ClinVar aggregate classification (germline): Uncertain significance. Review status: criteria provided, multiple submitters, no conflicts (2 of 4 stars). 2 submissions from 2 submitters: Uncertain significance (2). Last evaluated 2023-03-03.

Conditions:
Autism spectrum disorder due to AUTS2 deficiency (MRD26). Also called: INTELLECTUAL DEVELOPMENTAL DISORDER, AUTOSOMAL DOMINANT 26. Identifiers: Orphanet 352490, MedGen C4014435, MONDO:0014361, OMIM 615834.

Allele frequency attached by ClinVar (database versions not stated): gnomAD exomes below 0.00001; TOPMed below 0.00001; gnomAD 0.00001; 1000 Genomes Project 30x 0.00016; 1000 Genomes Project 0.00020.
gnomAD v4.1: 2 of 1,565,238 alleles (0.00013%); highest among the groups gnomAD compares: Non-Finnish European, 0.00017%; no homozygotes.

Submissions (2):

Labcorp Genetics (formerly Invitae), Labcorp
Classification: Uncertain significance. Last evaluated: 2023-03-03. Review status: criteria provided, single submitter. Criteria: Invitae Variant Classification Sherloc (09022015). Collection method: clinical testing. Allele origin: germline.
Comment: In summary, the available evidence is currently insufficient to determine the role of this variant in disease. Therefore, it has been classified as a Variant of Uncertain Significance. Advanced modeling of protein sequence and biophysical properties (such as structural, functional, and spatial information, amino acid conservation, physicochemical variation, residue mobility, and thermodynamic stability) has been performed at Invitae for this missense variant, however the output from this modeling did not meet the statistical confidence thresholds required to predict the impact of this variant on AUTS2 protein function. ClinVar contains an entry for this variant (Variation ID: 930612). This variant has not been reported in the literature in individuals affected with AUTS2-related conditions. This variant is not present in population databases (gnomAD no frequency). This sequence change replaces arginine, which is basic and polar, with lysine, which is basic and polar, at codon 1236 of the AUTS2 protein (p.Arg1236Lys).

Centre for Mendelian Genomics, University Medical Centre Ljubljana
Classification: Uncertain significance for Autism spectrum disorder due to AUTS2 deficiency. Last evaluated: 2020-03-25. Review status: criteria provided, single submitter. Criteria: ACMG Guidelines, 2015. Collection method: clinical testing. Allele origin: unknown. Affected: yes.
Comment: This variant was classified as: Uncertain significance. The available evidence on this variant's pathogenicity is insufficient or conflicting. The following ACMG criteria were applied in classifying this variant: PM2,PP3.

NM_015570.4(AUTS2):c.3707G>A (p.Arg1236Lys)

Gene: AUTS2 (activator of transcription and developmental regulator AUTS2; plus strand). Cytogenetic location: 7q11.22.
Variant type: single nucleotide variant.
Coding change: c.3707G>A on transcript NM_015570.4 (MANE Select); coding-DNA position 3707, G replaced by A.
Protein change: p.Arg1236Lys; replaces arginine 1236 with lysine.
Molecular consequence: missense variant.
Genome position (GRCh38, 1-based): chr7:70,790,923, G>A. VCF-style: chr7-70790923-G-A. GRCh37 (hg19) VCF-style: chr7-70255909-G-A.
Other names: c.3635G>A, p.Arg1212Lys (NM_001127231.3); short protein forms R1236K, R1212K.
Identifiers: ClinVar variation 930612 (VCV000930612.6), dbSNP rs201704456, ClinGen allele CA160017790.